The following is an entry in ClinVar:

NM_001365276.2(TNXB):c.6184C>T (p.Gln2062Ter)

Gene: TNXB (tenascin XB; minus strand). Cytogenetic location: 6p21.33.
Variant type: single nucleotide variant.
Coding change: c.6184C>T on transcript NM_001365276.2 (MANE Select); coding-DNA position 6184, C replaced by T.
Protein change: p.Gln2062Ter; replaces glutamine 2062 with a stop codon.
Molecular consequence: nonsense.
Genome position (GRCh38, 1-based): chr6:32,068,426, G>A on the plus strand (C>T on the coding strand, the complement: TNXB is on the minus strand). VCF-style: chr6-32068426-G-A. GRCh37 (hg19) VCF-style: chr6-32036203-G-A.
Other names: c.6925C>T, p.Gln2309Ter (NM_001428335.1); c.6184C>T, p.Gln2062Ter (NM_019105.8); short protein forms Q2062*, Q2309*.
Identifiers: ClinVar variation 5014265 (VCV005014265.1).

ClinVar aggregate classification (germline): Pathogenic (1 of 4 stars; one submission).

Conditions:
Ehlers-Danlos syndrome due to tenascin-X deficiency (EDSCLL1). Also called: Ehlers-Danlos syndrome, classic-like, 1; EHLERS-DANLOS SYNDROME, CLASSIC-LIKE; TNXB-Related Classical-Like Ehlers-Danlos Syndrome; EDS DUE TO TNX DEFICIENCY; TNX DEFICIENCY. Identifiers: Orphanet 230839, MedGen C1848029, MONDO:0011670, OMIM 606408.

Submission:

Myriad Genetics, Inc.
Classification: Pathogenic for Ehlers-Danlos syndrome due to tenascin-X deficiency. Last evaluated: 2025-03-27. Review status: criteria provided, single submitter. Criteria: Myriad Autosomal Dominant, Autosomal Recessive and X-Linked Classification Criteria (2023). Collection method: clinical testing. Allele origin: unknown.
Comment: NM_019105.6(TNXB):c.6184C>T(Q2062*) is expected to be pathogenic in the context of classical-like Ehlers-Danlos syndrome, TNXB-related. This variant is predicted to lead to an abnormal or absent protein product due to the creation of a premature termination codon in TNXB, a gene where loss-of-function variants are known to be pathogenic. Please note: this variant was assessed in the context of healthy population screening.